The following is an entry in ClinVar:

NM_000512.5(GALNS):c.239C>T (p.Ser80Leu)

Gene: GALNS (galactosamine (N-acetyl)-6-sulfatase; minus strand). Cytogenetic location: 16q24.3.
Variant type: single nucleotide variant.
Coding change: c.239C>T on transcript NM_000512.5 (MANE Select); coding-DNA position 239, C replaced by T.
Protein change: p.Ser80Leu; replaces serine 80 with leucine.
Molecular consequence: missense variant. On other transcripts: intron variant (1).
Genome position (GRCh38, 1-based): chr16:88,842,711, G>A on the plus strand (C>T on the coding strand, the complement: GALNS is on the minus strand). VCF-style: chr16-88842711-G-A. GRCh37 (hg19) VCF-style: chr16-88909119-G-A.
Other names: c.257C>T, p.Ser86Leu (NM_001323544.2); c.-311-740C>T (NM_001323543.2); short protein forms S80L, S86L.
Identifiers: ClinVar variation 521930 (VCV000521930.19), dbSNP rs1209154325, ClinGen allele CA397091149.

ClinVar aggregate classification (germline): Pathogenic/Likely pathogenic. Review status: criteria provided, multiple submitters, no conflicts (2 of 4 stars). 7 submissions from 7 submitters: Pathogenic (3); Likely pathogenic (4). Last evaluated 2023-11-24.

Conditions:
GALNS-related disorder. Also called: GALNS-related condition.
Inborn genetic diseases. Identifiers: MedGen C0950123, MeSH D030342.
Morquio syndrome. Also called: Eccentrochondrodysplasia; Mucopolysaccharidosis, Type IV; MPS IV; Mucopolysaccharidosis type 4. Identifiers: Orphanet 582, MedGen C0026707, MONDO:0018938.
Mucopolysaccharidosis, MPS-IV-A (MPS4A). Also called: Mucopolysaccharidosis Type IVA; GALACTOSAMINE-6-SULFATASE DEFICIENCY; GALNS DEFICIENCY; MORQUIO A DISEASE; MPS IVA; Morquio syndrome A, mild. Identifiers: Orphanet 309297, Orphanet 582, MedGen C0086651, MONDO:0009659, OMIM 253000.

Allele frequency attached by ClinVar (database versions not stated): gnomAD exomes below 0.00001; TOPMed 0.00001.
gnomAD v4.1: 10 of 1,612,664 alleles (0.00062%); highest among the groups gnomAD compares: Admixed American, 0.0017%; no homozygotes.

Submissions (7):

Labcorp Genetics (formerly Invitae), Labcorp
Classification: Pathogenic for Mucopolysaccharidosis, MPS-IV-A. Last evaluated: 2023-11-24. Review status: criteria provided, single submitter. Criteria: Invitae Variant Classification Sherloc (09022015). Collection method: clinical testing. Allele origin: germline.
Comment: This sequence change replaces serine, which is neutral and polar, with leucine, which is neutral and non-polar, at codon 80 of the GALNS protein (p.Ser80Leu). The frequency data for this variant in the population databases is considered unreliable, as metrics indicate poor data quality at this position in the gnomAD database. This missense change has been observed in individual(s) with mucopolysaccharidosis type IVA (PMID: 9375852, 22976768, 25545067, 29731656). ClinVar contains an entry for this variant (Variation ID: 521930). Advanced modeling of protein sequence and biophysical properties (such as structural, functional, and spatial information, amino acid conservation, physicochemical variation, residue mobility, and thermodynamic stability) performed at Invitae indicates that this missense variant is expected to disrupt GALNS protein function with a positive predictive value of 95%. Experimental studies have shown that this missense change affects GALNS function (PMID: 9375852). For these reasons, this variant has been classified as Pathogenic.

PreventionGenetics, part of Exact Sciences
Classification: Likely pathogenic for GALNS-related condition. Last evaluated: 2023-06-07. Review status: criteria provided, single submitter. Criteria: ACMG Guidelines, 2015. Collection method: clinical testing. Allele origin: germline.
Comment: The GALNS c.239C>T variant is predicted to result in the amino acid substitution p.Ser80Leu. This variant was reported in homozygous and compound heterozygous state in multiple individuals with Mucopolysaccharidosis IVA (Tomatsu et al. 1997. PubMed ID: 9375852; Pachajoa et al. 2021. PubMed ID: 34542925; Pollard et al. 2012. PubMed ID: 22976768; Tapiero-Rodriguez et al. 2018. PubMed ID: 29731656). In vitro and in vivo studies show that this variant results in significantly reduced enzymatic activity (Tomatsu et al. 1997. PubMed ID: 9375852; Tapiero-Rodriguez et al. 2018. PubMed ID: 29731656). This variant is reported in 0.0029% of alleles in individuals of Latino descent in gnomAD. This variant is interpreted as likely pathogenic.

Genome-Nilou Lab
Classification: Likely pathogenic for Mucopolysaccharidosis, MPS-IV-A. Last evaluated: 2021-11-07. Review status: criteria provided, single submitter. Criteria: ACMG Guidelines, 2015. Collection method: clinical testing. Allele origin: germline. Affected: no.

Laboratory of Diagnosis and Therapy of Lysosomal Disorders, University of Padova
Classification: Likely pathogenic for Mucopolysaccharidosis, MPS-IV-A. Last evaluated: 2021-02-01. Review status: criteria provided, single submitter. Criteria: ACMG Guidelines, 2015. Collection method: research. Allele origin: germline. Affected: yes.
Comment: In vitro and vivo functional studies supportive of a damaging effect on the gene product (low to null enzymatic activity in homozygotes; low to null in vitro enzymatic activity; PS3_moderate); the prevalence of the variant in affected individuals is significantly increased compared with the prevalence in controls (PS4_strong); very low frequency in gnomAD v2.1.1 (PM2_moderate); multiple lines of computational evidence support a deleterious effect on the gene (PP3_supporting)

Women's Health and Genetics/Laboratory Corporation of America, LabCorp
Classification: Pathogenic for Morquio syndrome. Last evaluated: 2019-05-13. Review status: criteria provided, single submitter. Criteria: LabCorp Variant Classification Summary - May 2015. Collection method: clinical testing. Allele origin: germline.
Comment: Variant summary: GALNS c.239C>T (p.Ser80Leu) results in a non-conservative amino acid change located in the Sulfatase, N-terminal domain of the encoded protein sequence. Five of five in-silico tools predict a damaging effect of the variant on protein function. The variant allele was found at a frequency of 4e-06 in 247532 control chromosomes. c.239C>T has been reported in the literature in individuals affected with Mucopolysaccharidosis Type IVA (Morquio Syndrome A, Tomatsu_2005, Pollard_2013, Tapiero-Rodriguez_2018). These data indicate that the variant is likely to be associated with disease. At least two publications report experimental evidence evaluating an impact on protein function. The most pronounced variant effect results in <10% of normal expression/activity (Tomatsu_2006, Tapiero-Rodriguez_2018). One clinical diagnostic laboratory has submitted clinical-significance assessments for this variant to ClinVar after 2014 without evidence for independent evaluation and classified the variant as uncertain significance. Based on the evidence outlined above, the variant was classified as pathogenic.

Ambry Genetics
Classification: Likely pathogenic for Inborn genetic diseases. Last evaluated: 2017-11-14. Review status: criteria provided, single submitter. Criteria: Ambry exome assertion method (8-5-2015). Collection method: clinical testing. Allele origin: germline. Affected: yes. Observed: 1 variant allele.

Neuberg Centre For Genomic Medicine, NCGM
Classification: Pathogenic for Mucopolysaccharidosis, MPS-IV-A. Review status: criteria provided, single submitter. Criteria: ACMG Guidelines, 2015. Collection method: clinical testing. Allele origin: germline. Inheritance: Autosomal recessive inheritance. Affected: yes.
Comment: Experimental studies have shown that this missense change affects GALNS function (Tomatsu S, et al., 1997; Tapiero-Rodriguez SM, et al., 2018). For these reasons, the variant has been classified as Pathogenic.

Literature cited by the submitters: PubMed 9375852 (cited by Labcorp Genetics (formerly Invitae), Labcorp and Ambry Genetics); PubMed 22976768 (cited by Labcorp Genetics (formerly Invitae), Labcorp and Women's Health and Genetics/Laboratory Corporation of America, LabCorp); PubMed 25545067 (cited by Labcorp Genetics (formerly Invitae), Labcorp and Laboratory of Diagnosis and Therapy of Lysosomal Disorders, University of Padova); PubMed 29731656 (cited by 3 submitters); PubMed 16287098 (cited by Laboratory of Diagnosis and Therapy of Lysosomal Disorders, University of Padova and Women's Health and Genetics/Laboratory Corporation of America, LabCorp); PubMed 24726177 (cited by Laboratory of Diagnosis and Therapy of Lysosomal Disorders, University of Padova and Ambry Genetics); PubMed 34387910 (cited by Laboratory of Diagnosis and Therapy of Lysosomal Disorders, University of Padova); PubMed 25287660 (cited by Women's Health and Genetics/Laboratory Corporation of America, LabCorp); PubMed 16837223 (cited by Women's Health and Genetics/Laboratory Corporation of America, LabCorp); PubMed 21506915 (cited by Ambry Genetics); PubMed 25252036 (cited by Ambry Genetics).